The following is an entry in ClinVar:

NM_001367624.2(ZNF469):c.1878C>T (p.Pro626=)

Gene: ZNF469 (zinc finger protein 469; plus strand). Cytogenetic location: 16q24.2.
Variant type: single nucleotide variant.
Coding change: c.1878C>T on transcript NM_001367624.2 (MANE Select); coding-DNA position 1878, C replaced by T.
Protein change: p.Pro626=; no amino-acid change (proline 626 retained).
Molecular consequence: synonymous variant.
Genome position (GRCh38, 1-based): chr16:88,429,348, C>T. VCF-style: chr16-88429348-C-T. GRCh37 (hg19) VCF-style: chr16-88495756-C-T.
Other names: NM_001127464.1:c.1878C>T.
Identifiers: ClinVar variation 1781817 (VCV001781817.30), dbSNP rs751974223, ClinGen allele CA8224721.

ClinVar aggregate classification (germline): Likely benign. Review status: criteria provided, multiple submitters, no conflicts (2 of 4 stars). 4 submissions from 4 submitters: Likely benign (4). Last evaluated 2026-01-14.

Conditions:
Cardiovascular phenotype. Identifiers: MedGen CN230736.

Allele frequency attached by ClinVar (database versions not stated): gnomAD 0.00005; ExAC 0.00007.
gnomAD v4.1: 42 of 1,549,668 alleles (0.0027%); highest among the groups gnomAD compares: African/African-American, 0.0041%; no homozygotes.

Submissions (4):

Labcorp Genetics (formerly Invitae), Labcorp
Classification: Likely benign. Last evaluated: 2026-01-14. Review status: criteria provided, single submitter. Criteria: Invitae Variant Classification Sherloc (09022015). Collection method: clinical testing. Allele origin: germline.

Blueprint Genetics
Classification: Likely benign. Last evaluated: 2024-11-12. Review status: criteria provided, single submitter. Criteria: ACMG Guidelines, 2015. Collection method: clinical testing. Allele origin: germline.

CeGaT Center for Human Genetics Tuebingen
Classification: Likely benign. Last evaluated: 2023-10-01. Review status: criteria provided, single submitter. Criteria: CeGaT Center For Human Genetics Tuebingen Variant Classification Criteria Version 2. Collection method: clinical testing. Allele origin: germline. Affected: yes. Observed: 1 variant allele.
Comment: ZNF469: BP4, BP7

Ambry Genetics
Classification: Likely benign for Cardiovascular phenotype. Last evaluated: 2019-06-22. Review status: criteria provided, single submitter. Criteria: Ambry Variant Classification Scheme 2023. Collection method: clinical testing. Allele origin: germline.